The following is an entry in ClinVar:

NM_031935.3(HMCN1):c.11840T>C (p.Leu3947Pro)

Gene: HMCN1 (hemicentin 1; plus strand). Cytogenetic location: 1q31.1.
Variant type: single nucleotide variant.
Coding change: c.11840T>C on transcript NM_031935.3 (MANE Select); coding-DNA position 11840, T replaced by C.
Protein change: p.Leu3947Pro; replaces leucine 3947 with proline.
Molecular consequence: missense variant.
Genome position (GRCh38, 1-based): chr1:186,117,615, T>C. VCF-style: chr1-186117615-T-C. GRCh37 (hg19) VCF-style: chr1-186086747-T-C.
Other names: short protein forms L3947P.
Identifiers: ClinVar variation 1470276 (VCV001470276.6), dbSNP rs2102481670, ClinGen allele CA343946443.
Genomic context (GRCh38, chr1:186,117,615, plus strand): 5'-CAATTCACTGGACCAAAAATGGTATAAGACTGCTTCCCAGGGGAGATGGCTATAGAATTC[T>C]GTCCTCAGGTAAGACCAAGCTCAGTGATTTCACATCTATTGATTGTATTATTTATTGATG-3'
Protein context (NP_114141.2, residues 3937-3957): LLPRGDGYRI[Leu3947Pro]SSGAIEILAT

ClinVar aggregate classification (germline): Uncertain significance (1 of 4 stars; one submission).

Submission:

Labcorp Genetics (formerly Invitae), Labcorp
Classification: Uncertain significance. Last evaluated: 2022-11-08. Review status: criteria provided, single submitter. Criteria: Invitae Variant Classification Sherloc (09022015). Collection method: clinical testing. Allele origin: germline.
Comment: ClinVar contains an entry for this variant (Variation ID: 1470276). This sequence change replaces leucine, which is neutral and non-polar, with proline, which is neutral and non-polar, at codon 3947 of the HMCN1 protein (p.Leu3947Pro). This variant is not present in population databases (gnomAD no frequency). This variant has not been reported in the literature in individuals affected with HMCN1-related conditions. Algorithms developed to predict the effect of missense changes on protein structure and function (SIFT, PolyPhen-2, Align-GVGD) all suggest that this variant is likely to be disruptive. In summary, the available evidence is currently insufficient to determine the role of this variant in disease. Therefore, it has been classified as a Variant of Uncertain Significance.